The following is an entry in ClinVar:

ClinVar aggregate classification (germline): Uncertain significance (1 of 4 stars; one submission).

Conditions:
Familial thoracic aortic aneurysm and aortic dissection (TAAD). Also called: Thoracic aortic aneurysms and dissections. Identifiers: Orphanet 91387, MedGen C4707243, MONDO:0019625.

Allele frequency attached by ClinVar (database versions not stated): ESP Exome Variant Server 0.00008.

Submission:

Ambry Genetics
Classification: Uncertain significance for Familial thoracic aortic aneurysm and aortic dissection. Last evaluated: 2022-03-06. Review status: criteria provided, single submitter. Criteria: Ambry Variant Classification Scheme 2023. Collection method: clinical testing. Allele origin: germline.
Comment: The p.A183G variant (also known as c.548C>G), located in coding exon 5 of the CBS gene, results from a C to G substitution at nucleotide position 548. The alanine at codon 183 is replaced by glycine, an amino acid with similar properties. This amino acid position is conserved. In addition, the in silico prediction for this alteration is inconclusive. Since supporting evidence is limited at this time, the clinical significance of this alteration remains unclear.

NM_000071.3(CBS):c.548C>G (p.Ala183Gly)

Gene: CBS (cystathionine beta-synthase; minus strand). Cytogenetic location: 21q22.3.
Variant type: single nucleotide variant.
Coding change: c.548C>G on transcript NM_000071.3 (MANE Select); coding-DNA position 548, C replaced by G.
Protein change: p.Ala183Gly; replaces alanine 183 with glycine.
Molecular consequence: missense variant.
Genome position (GRCh38, 1-based): chr21:43,065,505, G>C on the plus strand (C>G on the coding strand, the complement: CBS is on the minus strand). VCF-style: chr21-43065505-G-C. GRCh37 (hg19) VCF-style: chr21-44485615-G-C.
Other names: c.548C>G, p.Ala183Gly (NM_001178008.3, NM_001178009.3, NM_001320298.2); c.233C>G, p.Ala78Gly (NM_001321072.1); short protein forms A183G, A78G.
Identifiers: ClinVar variation 1747839 (VCV001747839.2), dbSNP rs374464810, ClinGen allele CA321096163.
Genomic context (GRCh38, chr21:43,065,505, plus strand): 5'-TGTGACTCCGGGGAGTCGAACCTGGCATTGGTGGGCGTCCTCACAATCTCAGCCCCCAGT[G>C]CCCGCAGCACGTCCACCTGCAGGAGGGAAAGCGGTGGCCTGCACCTTCCGCCTGGCCCAG-3'
Protein context (NP_000062.1, residues 173-193): MSSEKVDVLR[Ala183Gly]LGAEIVRTPT